The following is an entry in ClinVar:

NM_007294.4(BRCA1):c.3708T>A (p.Asn1236Lys)

Genes: BRCA1 (BRCA1 DNA repair associated; minus strand), LOC126862571 (BRD4-independent group 4 enhancer GRCh37_chr17:41243136-41244335; plus strand). Cytogenetic location: 17q21.31.
Variant type: single nucleotide variant.
Coding change: c.3708T>A on transcript NM_007294.4 (MANE Select); coding-DNA position 3708, T replaced by A.
Protein change: p.Asn1236Lys; replaces asparagine 1236 with lysine.
Molecular consequence: missense variant. On other transcripts: intron variant (135).
Genome position (GRCh38, 1-based): chr17:43,091,823, A>T on the plus strand (T>A on the coding strand, the complement: BRCA1 is on the minus strand). VCF-style: chr17-43091823-A-T. GRCh37 (hg19) VCF-style: chr17-41243840-A-T.
Other names: c.3582T>A, p.Asn1194Lys (NM_001407688.1, NM_001407689.1, NM_001407690.1 and 11 more transcripts); c.788-791T>A (NM_001407971.1, NM_001407980.1, NM_001407993.1 and 17 more transcripts); c.791-800T>A (NM_001408406.1); c.647-791T>A (NM_001408456.1, NM_001408458.1, NM_001408469.1 and 11 more transcripts); c.644-791T>A (NM_001408465.1, NM_001408463.1, NM_001408470.1 and 3 more transcripts); c.578-791T>A (NM_001408482.1, NM_001408484.1, NM_001408478.1 and 9 more transcripts); c.662-791T>A (NM_001408434.1, NM_001408450.1, NM_001408446.1 and 6 more transcripts); c.785-791T>A (NM_001408398.1, NM_001408397.1, NM_001408401.1 and 13 more transcripts); and 41 more; short protein forms N1236K, N1189K, N1109K, N1147K, N1148K, N1165K, N1169K, N1194K.
Identifiers: ClinVar variation 922840 (VCV000922840.6), dbSNP rs28897687, ClinGen allele CA10594547.

ClinVar aggregate classification (germline): Conflicting classifications of pathogenicity. Review status: criteria provided, conflicting classifications (1 of 4 stars). 2 submissions from 2 submitters: Uncertain significance (1); Likely benign (1). Last evaluated 2023-03-23.

Conditions:
Hereditary cancer-predisposing syndrome. Also called: Neoplastic Syndromes, Hereditary; Tumor predisposition; Hereditary Cancer Syndrome; Hereditary neoplastic syndrome. Identifiers: Orphanet 140162, MedGen C0027672, MeSH D009386, MONDO:0015356.

Submissions (2):

University of Washington Department of Laboratory Medicine, University of Washington
Classification: Likely benign for Hereditary cancer-predisposing syndrome. Last evaluated: 2023-03-23. Review status: criteria provided, single submitter. Criteria: Dines et al. (Genet Med. 2020). Collection method: curation. Allele origin: germline.
Comment: Missense variant in a coldspot region where missense variants are very unlikely to be pathogenic (PMID:31911673).

BRCA1 coldspot (exon 11 using historical exon numbering). Reclassification based on statistical prior probability

Color Diagnostics, LLC DBA Color Health
Classification: Uncertain significance for Hereditary cancer-predisposing syndrome. Last evaluated: 2019-07-31. Review status: criteria provided, single submitter. Criteria: ACMG Guidelines, 2015. Collection method: clinical testing. Allele origin: germline.
Comment: This missense variant replaces asparagine with lysine at codon 1236 of the BRCA1 protein. Computational prediction tools and conservation analyses suggest that this variant may not impact protein structure and function. Computational splicing tools suggest that this variant may not impact RNA splicing. To our knowledge, functional studies have not been performed for this variant nor has this variant been reported in individuals affected with hereditary cancer in the literature. This variant has not been identified in the general population by the Genome Aggregation Database (gnomAD). A different nucleotide change (c.3708T>G) resulting in the same protein effect is common in the population and is considered to be non-disease causing (ClinVar variation ID: 54970), suggesting that this amino acid change is tolerated for protein structure and function. However, the c.3708T>A variant is very rare in the population and its potential impact on gene function (e.g., RNA splicing) remains unknown. Additional studies are necessary to determine the role of this variant in disease conclusively. Therefore, this variant is classified as a Variant of Uncertain Significance.